The following is an entry in ClinVar:

NM_007194.4(CHEK2):c.85C>T (p.Gln29Ter)

Gene: CHEK2 (checkpoint kinase 2; minus strand). Cytogenetic location: 22q12.1.
Variant type: single nucleotide variant.
Coding change: c.85C>T on transcript NM_007194.4 (MANE Select); coding-DNA position 85, C replaced by T.
Protein change: p.Gln29Ter; replaces glutamine 29 with a stop codon.
Molecular consequence: nonsense.
Genome position (GRCh38, 1-based): chr22:28,734,637, G>A on the plus strand (C>T on the coding strand, the complement: CHEK2 is on the minus strand). VCF-style: chr22-28734637-G-A. GRCh37 (hg19) VCF-style: chr22-29130625-G-A.
Other names: c.85C>T, p.Gln29Ter (NM_001005735.3, NM_001349956.3, NM_145862.3); c.-693C>T (NM_001257387.3); short protein forms Q29*.
Identifiers: ClinVar variation 187694 (VCV000187694.72), dbSNP rs761494650, ClinGen allele CA198320.

ClinVar aggregate classification (germline): Pathogenic/Likely pathogenic. Review status: criteria provided, multiple submitters, no conflicts (2 of 4 stars). 14 submissions from 14 submitters: Pathogenic (10); Likely pathogenic (2). 2 of the submissions do not count toward it. Last evaluated 2026-02-02.

Conditions:
Hereditary nonpolyposis colon cancer (HNPCC). Also called: Hereditary nonpolyposis colorectal cancer; Familial nonpolyposis colon cancer; Hereditary Nonpolyposis Colorectal Cancer Syndrome. Identifiers: Orphanet 443909, MedGen C1333990, MONDO:0018630. Disease mechanism: loss of function.
Hereditary cancer-predisposing syndrome. Also called: Tumor predisposition; Neoplastic Syndromes, Hereditary; Hereditary Cancer Syndrome; Hereditary neoplastic syndrome. Identifiers: Orphanet 140162, MedGen C0027672, MeSH D009386, MONDO:0015356.
Hereditary breast ovarian cancer syndrome. Also called: Hereditary breast and ovarian cancer; Hereditary breast and ovarian cancer syndrome (HBOC); Breast and ovarian cancer; Hereditary breast and/or ovarian cancer syndrome; BRCA1- and BRCA2-Associated Hereditary Breast and Ovarian Cancer; Hereditary breast and ovarian cancer syndrome. Identifiers: Orphanet 145, MedGen C0677776, MeSH D061325, MONDO:0003582. Disease mechanism: loss of function.
CHEK2-related cancer predisposition (TPDS4). Also called: CHEK2-related cancer susceptibility; TUMOR PREDISPOSITION SYNDROME 4; CANCER PREDISPOSITION SYNDROME, CHEK2-RELATED. Identifiers: Orphanet 524, MedGen C5882668, MONDO:0700271, OMIM 609265.
Familial cancer of breast. Also called: hereditary breast carcinoma; BREAST CANCER, FAMILIAL; Hereditary breast cancer. Identifiers: Orphanet 227535, MedGen C0346153, MONDO:0016419, OMIM 114480. Disease mechanism: loss of function.

Allele frequency attached by ClinVar (database versions not stated): ExAC 0.00001; gnomAD exomes 0.00001.

Submissions (14):

Labcorp Genetics (formerly Invitae), Labcorp
Classification: Pathogenic for Familial cancer of breast. Last evaluated: 2026-02-02. Review status: criteria provided, single submitter. Criteria: Invitae Variant Classification Sherloc (09022015). Collection method: clinical testing. Allele origin: germline.
Comment: This sequence change creates a premature translational stop signal (p.Gln29*) in the CHEK2 gene. It is expected to result in an absent or disrupted protein product. Loss-of-function variants in CHEK2 are known to be pathogenic (PMID: 21876083, 24713400). This variant is present in population databases (rs761494650, gnomAD 0.002%). This premature translational stop signal has been observed in individual(s) with breast cancer (PMID: 28008555). ClinVar contains an entry for this variant (Variation ID: 187694). For these reasons, this variant has been classified as Pathogenic.

Center for Genomic Medicine, Rigshospitalet, Copenhagen University Hospital
Classification: Pathogenic. Last evaluated: 2025-03-04. Review status: criteria provided, single submitter. Criteria: ACMG Guidelines, 2015. Collection method: clinical testing. Allele origin: germline.

Ambry Genetics
Classification: Pathogenic for Hereditary cancer-predisposing syndrome. Last evaluated: 2024-05-14. Review status: criteria provided, single submitter. Criteria: Ambry Variant Classification Scheme 2023. Collection method: clinical testing. Allele origin: germline.
Comment: The p.Q29* pathogenic mutation (also known as c.85C>T), located in coding exon 1 of the CHEK2 gene, results from a C to T substitution at nucleotide position 85. This changes the amino acid from a glutamine to a stop codon within coding exon 1. This variant is considered to be rare based on population cohorts in the Genome Aggregation Database (gnomAD). In addition to the clinical data presented in the literature, this alteration is expected to result in loss of function by premature protein truncation or nonsense-mediated mRNA decay. As such, this alteration is interpreted as a disease-causing mutation.

Color Diagnostics, LLC DBA Color Health
Classification: Pathogenic for Hereditary cancer-predisposing syndrome. Last evaluated: 2023-10-02. Review status: criteria provided, single submitter. Criteria: ACMG Guidelines, 2015. Collection method: clinical testing. Allele origin: germline.
Comment: This variant changes 1 nucleotide in exon 2 of the CHEK2 gene, creating a premature translation stop signal. This variant is expected to result in an absent or non-functional protein product. To our knowledge, functional studies have not been reported for this variant. This variant has been observed in individuals affected with breast cancer (PMID: 28008555, 33919281) and in an individual with prostate cancer (PMID: 28873162). In a large breast cancer case-control meta analysis conducted by the BRIDGES consortium, this variant was reported in 5/60466 cases, 0/53461 unaffected controls (PMID: 33471991;Leiden Open Variation Database DB-ID CHEK2_000237). This variant has also been identified in 2/249444 chromosomes in the general population by the Genome Aggregation Database (gnomAD). Loss of CHEK2 function is a known mechanism of disease. Based on the available evidence, this variant is classified as Pathogenic.

Baylor Genetics
Classification: Pathogenic for Familial cancer of breast. Last evaluated: 2023-09-13. Review status: criteria provided, single submitter. Criteria: ACMG Guidelines, 2015. Collection method: clinical testing. Allele origin: unknown.

Myriad Genetics, Inc.
Classification: Pathogenic for Familial cancer of breast. Last evaluated: 2023-03-08. Review status: criteria provided, single submitter. Criteria: Myriad Autosomal Dominant, Autosomal Recessive and X-Linked Classification Criteria (2023). Collection method: clinical testing. Allele origin: unknown.
Comment: This variant is considered pathogenic. This variant creates a termination codon and is predicted to result in premature protein truncation.

Centre for Mendelian Genomics, University Medical Centre Ljubljana
Classification: Pathogenic for Familial cancer of breast. Last evaluated: 2022-12-09. Review status: criteria provided, single submitter. Criteria: ACMG Guidelines, 2015. Collection method: research. Allele origin: germline. Affected: no.
Comment: PVS1, PS4_SUP, PM2_SUP

Department of Pathology and Laboratory Medicine, Sinai Health System
Classification: Pathogenic for hereditary nonpolyposis colon cancer. Last evaluated: 2022-05-18. Review status: criteria provided, single submitter. Criteria: ACMG Guidelines, 2015. Collection method: clinical testing. Allele origin: germline. Affected: yes.

Department of Molecular Diagnostics, Institute of Oncology Ljubljana
Classification: Pathogenic for Familial cancer of breast. Last evaluated: 2020-04-02. Review status: criteria provided, single submitter. Criteria: ACMG Guidelines, 2015. Collection method: clinical testing. Allele origin: germline. Affected: yes.

GeneDx
Classification: Likely pathogenic. Last evaluated: 2018-07-17. Review status: criteria provided, single submitter. Criteria: GeneDx Variant Classification (06012015). Collection method: clinical testing. Allele origin: germline. Affected: yes.
Comment: This variant is denoted CHEK2 c.85C>T at the cDNA level and p.Gln29Ter (Q29X) at the protein level. The substitution creates a nonsense variant, which changes a Glutamine to a premature stop codon (CAA>TAA), and is predicted to cause loss of normal protein function through either protein truncation or nonsense-mediated mRNA decay. This variant has been reported in at least one individual with prostate cancer (Mandelker 2017). It is considered likely pathogenic.

CeGaT Center for Human Genetics Tuebingen
Classification: Pathogenic. Last evaluated: 2018-07-01. Review status: criteria provided, single submitter. Criteria: CeGaT Center For Human Genetics Tuebingen Variant Classification Criteria Version 2. Collection method: clinical testing. Allele origin: germline. Affected: yes. Observed: 1 variant allele.

Genesis Genomics
Classification: Likely pathogenic for CHEK2-related cancer predisposition. Review status: criteria provided, single submitter. Criteria: ACMG Guidelines, 2015. Collection method: clinical testing. Allele origin: germline. Affected: yes. Observed: 1 variant allele.

Counsyl
Classification: Likely pathogenic for Familial cancer of breast. Last evaluated: 2016-12-23. Review status: no assertion criteria provided. Collection method: clinical testing. Allele origin: unknown. Not counted in ClinVar's aggregate classification.

German Consortium for Hereditary Breast and Ovarian Cancer, University Hospital Cologne
Classification: Uncertain significance for Hereditary breast ovarian cancer syndrome. Last evaluated: 2025-11-18. Review status: flagged submission. Criteria: ACMG Guidelines, 2015. Collection method: curation. Allele origin: germline. Not counted in ClinVar's aggregate classification.
Comment: This classification follows the ACMG SVI adaptation classification scheme; We chose these criteria: PVS1 (medium pathogenic): truncating variant within the first 100bp (before Met.46), PS4 (supporting pathogenic): Dorling et al. 5 in cases 1 in controls, 15 families in GC-HBOC, PM2 (supporting pathogenic): gnomAD v2/3/4 <0.001%
ClinVar note: Reason: Outlier claim with insufficient supporting evidence

Literature cited by the submitters: PubMed 21876083 (cited by Labcorp Genetics (formerly Invitae), Labcorp); PubMed 24713400 (cited by Labcorp Genetics (formerly Invitae), Labcorp); PubMed 28008555 (cited by 3 submitters); PubMed 33919281 (cited by Center for Genomic Medicine, Rigshospitalet, Copenhagen University Hospital and Color Diagnostics, LLC DBA Color Health); PubMed 29053726 (cited by Center for Genomic Medicine, Rigshospitalet, Copenhagen University Hospital); PubMed 28873162 (cited by Color Diagnostics, LLC DBA Color Health and Department of Pathology and Laboratory Medicine, Sinai Health System); PubMed 33471991 (cited by Color Diagnostics, LLC DBA Color Health).